The following is an entry in ClinVar:

NM_006922.4(SCN3A):c.1991C>T (p.Thr664Met)

Gene: SCN3A (sodium voltage-gated channel alpha subunit 3; minus strand). Cytogenetic location: 2q24.3.
Variant type: single nucleotide variant.
Coding change: c.1991C>T on transcript NM_006922.4 (MANE Select); coding-DNA position 1991, C replaced by T.
Protein change: p.Thr664Met; replaces threonine 664 with methionine.
Molecular consequence: missense variant. On other transcripts: intron variant (2).
Genome position (GRCh38, 1-based): chr2:165,140,679, G>A on the plus strand (C>T on the coding strand, the complement: SCN3A is on the minus strand). VCF-style: chr2-165140679-G-A. GRCh37 (hg19) VCF-style: chr2-165997189-G-A.
Other names: c.1872+119C>T (NM_001081676.2, NM_001081677.2); short protein forms T664M.
Identifiers: ClinVar variation 652663 (VCV000652663.35), dbSNP rs201168906, ClinGen allele CA59741991.
Genomic context (GRCh38, chr2:165,140,679, plus strand): 5'-ATGTCAGTAGCAGCTAGGTCATCTATTATCACCTCTGGGGGAAGTTGTCCAGTAGGTGAC[G>A]TTAGAGCTGAAGGTCCACCCACCAAGGAAACCACACCATTGCAATCCACAGTGCTGTGCA-3'
Protein context (NP_008853.3, residues 654-674): VSLVGGPSAL[Thr664Met]SPTGQLPPEG

ClinVar aggregate classification (germline): Conflicting classifications of pathogenicity. Review status: criteria provided, conflicting classifications (1 of 4 stars). 2 submissions from 2 submitters: Uncertain significance (1); Likely benign (1). Last evaluated 2025-06-03.

Allele frequency attached by ClinVar (database versions not stated): TOPMed below 0.00001; gnomAD 0.00001 and 0.00003; gnomAD exomes 0.00001 and 0.00002; 1000 Genomes Project 30x 0.00016; 1000 Genomes Project 0.00020.
gnomAD v4.1: 29 of 1,613,980 alleles (0.0018%); highest among the groups gnomAD compares: East Asian, 0.0022%; no homozygotes.

Submissions (2):

Labcorp Genetics (formerly Invitae), Labcorp
Classification: Likely benign. Last evaluated: 2025-06-03. Review status: criteria provided, single submitter. Criteria: Invitae Variant Classification Sherloc (09022015). Collection method: clinical testing. Allele origin: germline.

CeGaT Center for Human Genetics Tuebingen
Classification: Uncertain significance. Last evaluated: 2023-04-01. Review status: criteria provided, single submitter. Criteria: CeGaT Center For Human Genetics Tuebingen Variant Classification Criteria Version 2. Collection method: clinical testing. Allele origin: germline. Affected: yes. Observed: 1 variant allele.
Comment: SCN3A: PP2